The following is an entry in ClinVar:

NM_182914.3(SYNE2):c.5767G>A (p.Glu1923Lys)

Gene: SYNE2 (spectrin repeat containing nuclear envelope protein 2; plus strand). Cytogenetic location: 14q23.2.
Variant type: single nucleotide variant.
Coding change: c.5767G>A on transcript NM_182914.3 (MANE Select); coding-DNA position 5767, G replaced by A.
Protein change: p.Glu1923Lys; replaces glutamic acid 1923 with lysine.
Molecular consequence: missense variant.
Genome position (GRCh38, 1-based): chr14:64,024,386, G>A. VCF-style: chr14-64024386-G-A. GRCh37 (hg19) VCF-style: chr14-64491104-G-A.
Other names: c.5767G>A, p.Glu1923Lys (NM_015180.6); short protein forms E1923K.
Identifiers: ClinVar variation 2185996 (VCV002185996.4), dbSNP rs374654853, ClinGen allele CA261814264.

ClinVar aggregate classification (germline): Uncertain significance (1 of 4 stars; one submission).

Conditions:
Emery-Dreifuss muscular dystrophy 5, autosomal dominant (EDMD5). Also called: EMERY-DREIFUSS MUSCULAR DYSTROPHY 5. Identifiers: Orphanet 261, MedGen C2751805, MONDO:0013072, OMIM 612999.

Allele frequency attached by ClinVar (database versions not stated): gnomAD exomes 0.00001; TOPMed 0.00002; ESP Exome Variant Server 0.00008.
gnomAD v4.1: 9 of 1,614,122 alleles (0.00056%); highest among the groups gnomAD compares: Admixed American, 0.0017%; no homozygotes.

Submission:

Labcorp Genetics (formerly Invitae), Labcorp
Classification: Uncertain significance for Emery-Dreifuss muscular dystrophy 5, autosomal dominant. Last evaluated: 2024-06-03. Review status: criteria provided, single submitter. Criteria: Invitae Variant Classification Sherloc (09022015). Collection method: clinical testing. Allele origin: germline.
Comment: This sequence change replaces glutamic acid, which is acidic and polar, with lysine, which is basic and polar, at codon 1923 of the SYNE2 protein (p.Glu1923Lys). This variant is present in population databases (rs374654853, gnomAD 0.007%). This variant has not been reported in the literature in individuals affected with SYNE2-related conditions. ClinVar contains an entry for this variant (Variation ID: 2185996). An algorithm developed to predict the effect of missense changes on protein structure and function (PolyPhen-2) suggests that this variant is likely to be disruptive. In summary, the available evidence is currently insufficient to determine the role of this variant in disease. Therefore, it has been classified as a Variant of Uncertain Significance.